The following is an entry in ClinVar:

ClinVar aggregate classification (germline): Uncertain significance. Review status: criteria provided, single submitter (1 of 4 stars). 2 submissions from 2 submitters: Uncertain significance (1). 1 of the submissions does not count toward it. Last evaluated 2022-09-22.

Conditions:
Usher syndrome type 1 (USH1). Also called: RETINITIS PIGMENTOSA AND CONGENITAL DEAFNESS. Identifiers: Orphanet 231169, Orphanet 886, MedGen C1568247, MONDO:0010168, OMIM 276900.

gnomAD v4.1: 1 of 1,613,998 alleles (0.000062%); highest among the groups gnomAD compares: East Asian, 0.0022%; no homozygotes.

Submissions (2):

Labcorp Genetics (formerly Invitae), Labcorp
Classification: Uncertain significance. Last evaluated: 2022-09-22. Review status: criteria provided, single submitter. Criteria: Invitae Variant Classification Sherloc (09022015). Collection method: clinical testing. Allele origin: germline.
Comment: This sequence change replaces valine, which is neutral and non-polar, with leucine, which is neutral and non-polar, at codon 1175 of the CDH23 protein (p.Val1175Leu). This variant is present in population databases (rs763379895, gnomAD 0.006%). This variant has not been reported in the literature in individuals affected with CDH23-related conditions. ClinVar contains an entry for this variant (Variation ID: 971182). Advanced modeling of protein sequence and biophysical properties (such as structural, functional, and spatial information, amino acid conservation, physicochemical variation, residue mobility, and thermodynamic stability) performed at Invitae indicates that this missense variant is not expected to disrupt CDH23 protein function. In summary, the available evidence is currently insufficient to determine the role of this variant in disease. Therefore, it has been classified as a Variant of Uncertain Significance.

Natera, Inc.
Classification: Uncertain significance for Usher syndrome type 1. Last evaluated: 2020-03-31. Review status: no assertion criteria provided. Collection method: clinical testing. Allele origin: germline. Not counted in ClinVar's aggregate classification.

NM_022124.6(CDH23):c.3523G>T (p.Val1175Leu)

Genes: C10orf105 (chromosome 10 open reading frame 105; minus strand), CDH23 (cadherin related 23; plus strand). Cytogenetic location: 10q22.1.
Variant type: single nucleotide variant.
Coding change: c.3523G>T on transcript NM_022124.6 (MANE Select); coding-DNA position 3523, G replaced by T.
Protein change: p.Val1175Leu; replaces valine 1175 with leucine.
Molecular consequence: missense variant. On other transcripts: intron variant (1).
Genome position (GRCh38, 1-based): chr10:71,725,464, G>T. VCF-style: chr10-71725464-G-T. GRCh37 (hg19) VCF-style: chr10-73485221-G-T.
Other names: c.3523G>T, p.Val1175Leu (NM_001171930.2); c.-5-9122C>A (NM_001168390.2); short protein forms V1175L.
Identifiers: ClinVar variation 971182 (VCV000971182.9), dbSNP rs763379895, ClinGen allele CA5544755.